The following is an entry in ClinVar:

NM_053025.4(MYLK):c.2156C>T (p.Thr719Ile)

Gene: MYLK (myosin light chain kinase; minus strand). Cytogenetic location: 3q21.1.
Variant type: single nucleotide variant.
Coding change: c.2156C>T on transcript NM_053025.4 (MANE Select); coding-DNA position 2156, C replaced by T.
Protein change: p.Thr719Ile; replaces threonine 719 with isoleucine.
Molecular consequence: missense variant.
Genome position (GRCh38, 1-based): chr3:123,707,988, G>A on the plus strand (C>T on the coding strand, the complement: MYLK is on the minus strand). VCF-style: chr3-123707988-G-A. GRCh37 (hg19) VCF-style: chr3-123426835-G-A.
Other names: c.1628C>T, p.Thr543Ile (NM_001321309.2); c.1949C>T, p.Thr650Ile (NM_053026.4, NM_053028.4); c.2156C>T, p.Thr719Ile (NM_053027.4); short protein forms T543I, T650I, T719I.
Identifiers: ClinVar variation 3715747 (VCV003715747.2).

ClinVar aggregate classification (germline): Uncertain significance (1 of 4 stars; one submission).

Conditions:
Aortic aneurysm, familial thoracic 7 (AAT7). Also called: AORTIC DISSECTION, FAMILIAL, WITH OR WITHOUT AORTIC ANEURYSM. Identifiers: MedGen C3151077, MONDO:0013418, OMIM 613780.

Submission:

Labcorp Genetics (formerly Invitae), Labcorp
Classification: Uncertain significance for Aortic aneurysm, familial thoracic 7. Last evaluated: 2025-11-14. Review status: criteria provided, single submitter. Criteria: Invitae Variant Classification Sherloc (09022015). Collection method: clinical testing. Allele origin: germline.
Comment: This sequence change replaces threonine, which is neutral and polar, with isoleucine, which is neutral and non-polar, at codon 719 of the MYLK protein (p.Thr719Ile). This variant is present in population databases (rs764886832, gnomAD 0.0009%). This variant has not been reported in the literature in individuals affected with MYLK-related conditions. ClinVar contains an entry for this variant (Variation ID: 3715747). Invitae Evidence Modeling of protein sequence and biophysical properties (such as structural, functional, and spatial information, amino acid conservation, physicochemical variation, residue mobility, and thermodynamic stability) indicates that this missense variant is not expected to disrupt MYLK protein function with a negative predictive value of 80%. In summary, the available evidence is currently insufficient to determine the role of this variant in disease. Therefore, it has been classified as a Variant of Uncertain Significance.